The following is an entry in ClinVar:

NM_018486.3(HDAC8):c.116G>C (p.Ser39Thr)

Gene: HDAC8 (histone deacetylase 8; minus strand). Cytogenetic location: Xq13.1.
Variant type: single nucleotide variant.
Coding change: c.116G>C on transcript NM_018486.3 (MANE Select); coding-DNA position 116, G replaced by C.
Protein change: p.Ser39Thr; replaces serine 39 with threonine.
Molecular consequence: missense variant. On other transcripts: non-coding transcript variant (1).
Genome position (GRCh38, 1-based): chrX:72,572,105, C>G on the plus strand (G>C on the coding strand, the complement: HDAC8 is on the minus strand). VCF-style: chrX-72572105-C-G. GRCh37 (hg19) VCF-style: chrX-71791955-C-G.
Other names: c.116G>C, p.Ser39Thr (NM_001166418.2, NM_001166419.2, NM_001166420.2 and 7 more transcripts); short protein forms S39T.
Identifiers: ClinVar variation 4070796 (VCV004070796.1).

ClinVar aggregate classification (germline): Uncertain significance (1 of 4 stars; one submission).

Submission:

GeneDx
Classification: Uncertain significance. Last evaluated: 2025-01-19. Review status: criteria provided, single submitter. Criteria: GeneDx Variant Classification Process June 2021. Collection method: clinical testing. Allele origin: germline. Affected: yes.
Comment: Not observed at significant frequency in large population cohorts (gnomAD); In silico analysis supports that this missense variant has a deleterious effect on protein structure/function; Has not been previously published as pathogenic or benign to our knowledge